The following is an entry in ClinVar:

ClinVar aggregate classification (germline): Likely benign. Review status: criteria provided, multiple submitters, no conflicts (2 of 4 stars). 2 submissions from 2 submitters: Likely benign (2). Last evaluated 2026-01-18.

Conditions:
NBAS-related disorder. Also called: NBAS-related condition.

Allele frequency attached by ClinVar (database versions not stated): gnomAD 0.00002; gnomAD exomes 0.00002; ExAC 0.00003; TOPMed 0.00003; 1000 Genomes Project 30x 0.00016; 1000 Genomes Project 0.00020.
gnomAD v4.1: 31 of 1,612,110 alleles (0.0019%); highest among the groups gnomAD compares: Admixed American, 0.032%; no homozygotes.

Submissions (2):

PreventionGenetics, part of Exact Sciences
Classification: Likely benign for NBAS-related condition. Last evaluated: 2026-01-18. Review status: criteria provided, single submitter. Criteria: ACMG Guidelines, 2015. Collection method: clinical testing. Allele origin: germline.
Comment: This variant is classified as likely benign based on ACMG/AMP sequence variant interpretation guidelines (Richards et al. 2015 PMID: 25741868, with internal and published modifications).

Labcorp Genetics (formerly Invitae), Labcorp
Classification: Likely benign. Last evaluated: 2025-11-25. Review status: criteria provided, single submitter. Criteria: Invitae Variant Classification Sherloc (09022015). Collection method: clinical testing. Allele origin: germline.

NM_015909.4(NBAS):c.4134G>A (p.Gly1378=)

Gene: NBAS (NBAS subunit of NRZ tethering complex; minus strand). Cytogenetic location: 2p24.3.
Variant type: single nucleotide variant.
Coding change: c.4134G>A on transcript NM_015909.4 (MANE Select); coding-DNA position 4134, G replaced by A.
Protein change: p.Gly1378=; no amino-acid change (glycine 1378 retained).
Molecular consequence: synonymous variant. On other transcripts: non-coding transcript variant (1).
Genome position (GRCh38, 1-based): chr2:15,352,037, C>T on the plus strand (G>A on the coding strand, the complement: NBAS is on the minus strand). VCF-style: chr2-15352037-C-T. GRCh37 (hg19) VCF-style: chr2-15492161-C-T.
Other names: c.4134G>A (NM_015909.3).
Identifiers: ClinVar variation 1910082 (VCV001910082.6), dbSNP rs200351607, ClinGen allele CA1535777.